The following is an entry in ClinVar:

NM_015658.4(NOC2L):c.1509C>T (p.Ser503=)

Gene: NOC2L (NOC2 like nucleolar associated transcriptional repressor; minus strand). Cytogenetic location: 1p36.33.
Variant type: single nucleotide variant.
Coding change: c.1509C>T on transcript NM_015658.4 (MANE Select); coding-DNA position 1509, C replaced by T.
Protein change: p.Ser503=; no amino-acid change (serine 503 retained).
Molecular consequence: synonymous variant.
Genome position (GRCh38, 1-based): chr1:948,538, G>A on the plus strand (C>T on the coding strand, the complement: NOC2L is on the minus strand). VCF-style: chr1-948538-G-A. GRCh37 (hg19) VCF-style: chr1-883918-G-A.
Identifiers: ClinVar variation 3024904 (VCV003024904.22), dbSNP rs139116730, ClinGen allele CA503971.

ClinVar aggregate classification (germline): Likely benign (1 of 4 stars; one submission).

Allele frequency attached by ClinVar (database versions not stated): TOPMed 0.00212; gnomAD 0.00225; ESP Exome Variant Server 0.00238; gnomAD exomes 0.00262; 1000 Genomes Project 30x 0.00265; 1000 Genomes Project 0.00280; ExAC 0.00292.

Submission:

CeGaT Center for Human Genetics Tuebingen
Classification: Likely benign. Last evaluated: 2024-02-01. Review status: criteria provided, single submitter. Criteria: CeGaT Center For Human Genetics Tuebingen Variant Classification Criteria Version 2. Collection method: clinical testing. Allele origin: germline. Affected: yes. Observed: 1 variant allele.
Comment: NOC2L: BP4, BP7, BS2